The following is an entry in ClinVar:

NM_015168.2(ZC3H4):c.1902C>G (p.Pro634=)

Gene: ZC3H4 (zinc finger CCCH-type containing 4; minus strand). Cytogenetic location: 19q13.32.
Variant type: single nucleotide variant.
Coding change: c.1902C>G on transcript NM_015168.2 (MANE Select); coding-DNA position 1902, C replaced by G.
Protein change: p.Pro634=; no amino-acid change (proline 634 retained).
Molecular consequence: synonymous variant.
Genome position (GRCh38, 1-based): chr19:47,072,022, G>C on the plus strand (C>G on the coding strand, the complement: ZC3H4 is on the minus strand). VCF-style: chr19-47072022-G-C. GRCh37 (hg19) VCF-style: chr19-47575279-G-C.
Identifiers: ClinVar variation 770287 (VCV000770287.7), dbSNP rs76187449, ClinGen allele CA9535069.

ClinVar aggregate classification (germline): Likely benign. Review status: criteria provided, multiple submitters, no conflicts (2 of 4 stars). 3 submissions from 3 submitters: Likely benign (2). 1 of the submissions does not count toward it. Last evaluated 2019-12-31.

Conditions:
ZC3H4-related disorder. Also called: ZC3H4-related condition.

Allele frequency attached by ClinVar (database versions not stated): gnomAD 0.02486; TOPMed 0.03036; 1000 Genomes Project 0.02676; ExAC 0.00839; 1000 Genomes Project 30x 0.02826.
gnomAD v4.1: 10,982 of 1,587,806 alleles (0.69%); highest among the groups gnomAD compares: African/African-American, 8.1%; 287 homozygotes.

Submissions (3):

Labcorp Genetics (formerly Invitae), Labcorp
Classification: Likely benign. Last evaluated: 2019-12-31. Review status: criteria provided, single submitter. Criteria: Invitae Variant Classification Sherloc (09022015). Collection method: clinical testing. Allele origin: germline.

Breakthrough Genomics
Classification: Likely benign. Review status: criteria provided, single submitter. Criteria: ACMG Guidelines, 2015. Collection method: not provided. Allele origin: germline. Inheritance: Unknown mechanism. Affected: yes.

PreventionGenetics, part of Exact Sciences
Classification: Benign for ZC3H4-related condition. Last evaluated: 2019-11-06. Review status: no assertion criteria provided. Collection method: clinical testing. Allele origin: germline. Not counted in ClinVar's aggregate classification.
Comment: This variant is classified as benign based on ACMG/AMP sequence variant interpretation guidelines (Richards et al. 2015 PMID: 25741868, with internal and published modifications).